The following is an entry in ClinVar:

NM_000334.4(SCN4A):c.5190C>T (p.Cys1730=)

Genes: GH-LCR (growth hormone locus control region; plus strand), SCN4A (sodium voltage-gated channel alpha subunit 4; minus strand). Cytogenetic location: 17q23.3.
Variant type: single nucleotide variant.
Coding change: c.5190C>T on transcript NM_000334.4 (MANE Select); coding-DNA position 5190, C replaced by T.
Protein change: p.Cys1730=; no amino-acid change (cysteine 1730 retained).
Molecular consequence: synonymous variant.
Genome position (GRCh38, 1-based): chr17:63,941,092, G>A on the plus strand (C>T on the coding strand, the complement: SCN4A is on the minus strand). VCF-style: chr17-63941092-G-A. GRCh37 (hg19) VCF-style: chr17-62018452-G-A.
Other names: p.Cys1730=.
Identifiers: ClinVar variation 385479 (VCV000385479.21), dbSNP rs113277954, ClinGen allele CA8708821.

ClinVar aggregate classification (germline): Benign/Likely benign. Review status: criteria provided, multiple submitters, no conflicts (2 of 4 stars). 7 submissions from 7 submitters: Benign (3); Likely benign (4). Last evaluated 2026-01-25.

Conditions:
Hypokalemic periodic paralysis, type 1. Also called: Hypokalemic Periodic Paralysis Type 1 (AD); HypoPP. Identifiers: Orphanet 681, MedGen C3714580, MONDO:0042979, OMIM 170400.
Potassium-aggravated myotonia. Also called: SODIUM CHANNEL MUSCLE DISEASE; Myotonia congenita, atypical, acetazolamide-responsive; MYOTONIA CONGENITA, ACETAZOLAMIDE-RESPONSIVE; MYOTONIA CONGENITA, ATYPICAL. Identifiers: Orphanet 612, Orphanet 99734, Orphanet 99735, Orphanet 99736, MedGen C2931826, MONDO:0018959, OMIM 608390.
Paramyotonia congenita of Von Eulenburg. Also called: Eulenburg disease; Myotonia congenita intermittens; Von Eulenburg paramyotonia congenita; Paramyotonia Congenita; PARALYSIS PERIODICA PARAMYOTONICA. Identifiers: Orphanet 684, MedGen C0221055, MONDO:0008195, OMIM 168300. Disease mechanism: loss of function.
Hypokalemic periodic paralysis, type 2 (HOKPP2). Identifiers: Orphanet 681, MedGen C2750061, MONDO:0013234, OMIM 613345.
Congenital myasthenic syndrome 16. Identifiers: Orphanet 590, MedGen C3280112, MONDO:0013620, OMIM 614198.
Hyperkalemic periodic paralysis. Also called: Familial hyperkalemic periodic paralysis; Gamstorp disease. Identifiers: Orphanet 682, MedGen C0238357, MONDO:0008224, OMIM 170500, HP:0007215.

Allele frequency attached by ClinVar (database versions not stated): ExAC 0.00099; 1000 Genomes Project 0.00319; gnomAD 0.00330 and 0.00347; 1000 Genomes Project 30x 0.00328; TOPMed 0.00381; gnomAD exomes 0.00085; ESP Exome Variant Server 0.00346.

Submissions (7):

Labcorp Genetics (formerly Invitae), Labcorp
Classification: Benign for Hyperkalemic periodic paralysis. Last evaluated: 2026-01-25. Review status: criteria provided, single submitter. Criteria: Invitae Variant Classification Sherloc (09022015). Collection method: clinical testing. Allele origin: germline.

Mayo Clinic Laboratories, Mayo Clinic
Classification: Benign. Last evaluated: 2025-03-17. Review status: criteria provided, single submitter. Criteria: ACMG Guidelines, 2015. Collection method: clinical testing. Allele origin: germline. Observed: 1 variant allele.
Comment: BS1, BS2, BP4, BP7

Blueprint Genetics
Classification: Likely benign. Last evaluated: 2024-11-01. Review status: criteria provided, single submitter. Criteria: ACMG Guidelines, 2015. Collection method: clinical testing. Allele origin: germline.

Athena Diagnostics
Classification: Benign. Last evaluated: 2024-10-29. Review status: criteria provided, single submitter. Criteria: Athena Diagnostics Criteria. Collection method: clinical testing. Allele origin: unknown.

GeneDx
Classification: Likely benign. Last evaluated: 2021-10-27. Review status: criteria provided, single submitter. Criteria: GeneDx Variant Classification Process June 2021. Collection method: clinical testing. Allele origin: germline. Affected: yes.

Fulgent Genetics
Classification: Likely benign for Paramyotonia congenita of Von Eulenburg; Hypokalemic periodic paralysis, type 1; Hyperkalemic periodic paralysis; Potassium-aggravated myotonia; Hypokalemic periodic paralysis, type 2; Congenital myasthenic syndrome 16. Last evaluated: 2021-07-02. Review status: criteria provided, single submitter. Criteria: ACMG Guidelines, 2015. Collection method: clinical testing. Allele origin: unknown.

Breakthrough Genomics
Classification: Likely benign. Review status: criteria provided, single submitter. Criteria: ACMG Guidelines, 2015. Collection method: not provided. Allele origin: germline. Inheritance: Autosomal recessive inheritance. Affected: yes.